The following is an entry in ClinVar:

NM_020937.4(FANCM):c.3593C>G (p.Ala1198Gly)

Gene: FANCM (FA complementation group M; plus strand). Cytogenetic location: 14q21.2.
Variant type: single nucleotide variant.
Coding change: c.3593C>G on transcript NM_020937.4 (MANE Select); coding-DNA position 3593, C replaced by G.
Protein change: p.Ala1198Gly; replaces alanine 1198 with glycine.
Molecular consequence: missense variant.
Genome position (GRCh38, 1-based): chr14:45,176,347, C>G. VCF-style: chr14-45176347-C-G. GRCh37 (hg19) VCF-style: chr14-45645550-C-G.
Other names: c.3515C>G, p.Ala1172Gly (NM_001308133.2); short protein forms A1198G, A1172G.
Identifiers: ClinVar variation 1417750 (VCV001417750.8), dbSNP rs754961557, ClinGen allele CA7169537.

ClinVar aggregate classification (germline): Uncertain significance (1 of 4 stars; one submission).

Conditions:
Fanconi anemia (FA). Also called: Fanconi's anemia. Identifiers: Orphanet 84, MedGen C0015625, MeSH D005199, MONDO:0019391.

Allele frequency attached by ClinVar (database versions not stated): gnomAD 0.00001; gnomAD exomes 0.00001; ExAC 0.00002.
gnomAD v4.1: 10 of 1,613,440 alleles (0.00062%); highest among the groups gnomAD compares: South Asian, 0.0088%; no homozygotes.

Submission:

Labcorp Genetics (formerly Invitae), Labcorp
Classification: Uncertain significance for Fanconi anemia. Last evaluated: 2020-11-06. Review status: criteria provided, single submitter. Criteria: Invitae Variant Classification Sherloc (09022015). Collection method: clinical testing. Allele origin: germline.
Comment: In summary, the available evidence is currently insufficient to determine the role of this variant in disease. Therefore, it has been classified as a Variant of Uncertain Significance. Algorithms developed to predict the effect of sequence changes on RNA splicing suggest that this variant may create or strengthen a splice site, but this prediction has not been confirmed by published transcriptional studies. Algorithms developed to predict the effect of missense changes on protein structure and function (SIFT, PolyPhen-2, Align-GVGD) all suggest that this variant is likely to be tolerated, but these predictions have not been confirmed by published functional studies and their clinical significance is uncertain. This variant has not been reported in the literature in individuals with FANCM-related conditions. This variant is present in population databases (rs754961557, ExAC 0.01%). This sequence change replaces alanine with glycine at codon 1198 of the FANCM protein (p.Ala1198Gly). The alanine residue is weakly conserved and there is a small physicochemical difference between alanine and glycine.